The following is an entry in ClinVar:

ClinVar aggregate classification (germline): Uncertain significance (1 of 4 stars; one submission).

Conditions:
Hereditary cancer-predisposing syndrome. Also called: Neoplastic Syndromes, Hereditary; Tumor predisposition; Hereditary Cancer Syndrome; Hereditary neoplastic syndrome. Identifiers: Orphanet 140162, MedGen C0027672, MeSH D009386, MONDO:0015356.

Submission:

Ambry Genetics
Classification: Uncertain significance for Hereditary cancer-predisposing syndrome. Last evaluated: 2026-05-23. Review status: criteria provided, single submitter. Criteria: Ambry Variant Classification Scheme 2023. Collection method: clinical testing. Allele origin: germline.
Comment: The p.N1727H variant (also known as c.5179A>C), located in coding exon 10 of the BRCA2 gene, results from an A to C substitution at nucleotide position 5179. The asparagine at codon 1727 is replaced by histidine, an amino acid with similar properties. This amino acid position is conserved. In addition, this alteration is predicted to be tolerated by in silico analysis. Based on the available evidence, the clinical significance of this variant remains unclear.

NM_000059.4(BRCA2):c.5179A>C (p.Asn1727His)

Gene: BRCA2 (BRCA2 DNA repair associated; plus strand). Cytogenetic location: 13q13.1.
Variant type: single nucleotide variant.
Coding change: c.5179A>C on transcript NM_000059.4 (MANE Select); coding-DNA position 5179, A replaced by C.
Protein change: p.Asn1727His; replaces asparagine 1727 with histidine.
Molecular consequence: missense variant. On other transcripts: non-coding transcript variant (1), intron variant (2).
Genome position (GRCh38, 1-based): chr13:32,339,534, A>C. VCF-style: chr13-32339534-A-C. GRCh37 (hg19) VCF-style: chr13-32913671-A-C.
Other names: c.5179A>C, p.Asn1727His (NM_001406719.1, NM_001406720.1, NM_001432077.1); c.1910-5024A>C (NM_001406721.1); c.425-5024A>C (NM_001406722.1); short protein forms N1727H.
Identifiers: ClinVar variation 4867766 (VCV004867766.1).